The following is an entry in ClinVar:

NM_004336.5(BUB1):c.3164A>G (p.Lys1055Arg)

Gene: BUB1 (BUB1 mitotic checkpoint serine/threonine kinase; minus strand). Cytogenetic location: 2q13.
Variant type: single nucleotide variant.
Coding change: c.3164A>G on transcript NM_004336.5 (MANE Select); coding-DNA position 3164, A replaced by G.
Protein change: p.Lys1055Arg; replaces lysine 1055 with arginine.
Molecular consequence: missense variant.
Genome position (GRCh38, 1-based): chr2:110,638,058, T>C on the plus strand (A>G on the coding strand, the complement: BUB1 is on the minus strand). VCF-style: chr2-110638058-T-C. GRCh37 (hg19) VCF-style: chr2-111395635-T-C.
Other names: c.3104A>G, p.Lys1035Arg (NM_001278616.2); c.2993A>G, p.Lys998Arg (NM_001278617.2); short protein forms K1035R, K1055R, K998R.
Identifiers: ClinVar variation 3262098 (VCV003262098.1).

ClinVar aggregate classification (germline): Uncertain significance (1 of 4 stars; one submission).

gnomAD v4.1: 2 of 1,612,922 alleles (0.00012%); highest among the groups gnomAD compares: Non-Finnish European, 0.00017%; no homozygotes.

Submission:

Ambry Genetics
Classification: Uncertain significance. Last evaluated: 2024-05-15. Review status: criteria provided, single submitter. Criteria: Ambry Variant Classification Scheme 2023. Collection method: clinical testing. Allele origin: germline.
Comment: The p.K1055R variant (also known as c.3164A>G), located in coding exon 25 of the BUB1 gene, results from an A to G substitution at nucleotide position 3164. The lysine at codon 1055 is replaced by arginine, an amino acid with highly similar properties. This amino acid position is conserved. In addition, this alteration is predicted to be tolerated by in silico analysis. Based on the available evidence, the clinical significance of this variant remains unclear.